The following is an entry in ClinVar:

ClinVar aggregate classification (germline): Likely pathogenic (1 of 4 stars; one submission).

Conditions:
Hereditary spastic paraplegia 56. Also called: SPASTIC PARAPLEGIA 56, AUTOSOMAL RECESSIVE, WITH OR WITHOUT PSEUDOXANTHOMA ELASTICUM; Spastic paraplegia 56, autosomal recessive; Spastic Paraplegia 56. Identifiers: Orphanet 320411, MedGen C3539507, MONDO:0014015, OMIM 615030.

Allele frequency attached by ClinVar (database versions not stated): 1000 Genomes Project 30x 0.00016; 1000 Genomes Project 0.00020.
gnomAD v4.1: 2 of 1,613,854 alleles (0.00012%); highest among the groups gnomAD compares: Non-Finnish European, 0.00017%; no homozygotes.

Submission:

MGZ Medical Genetics Center
Classification: Likely pathogenic for Hereditary spastic paraplegia 56. Last evaluated: 2021-08-10. Review status: criteria provided, single submitter. Criteria: ACMG Guidelines, 2015. Collection method: clinical testing. Allele origin: germline. Affected: yes. Observed: 1 variant allele.
Comment: ACMG criteria applied: PVS1, PM2_SUP

NM_183075.3(CYP2U1):c.640G>T (p.Gly214Ter)

Gene: CYP2U1 (cytochrome P450 family 2 subfamily U member 1; plus strand). Cytogenetic location: 4q25.
Variant type: single nucleotide variant.
Coding change: c.640G>T on transcript NM_183075.3 (MANE Select); coding-DNA position 640, G replaced by T.
Protein change: p.Gly214Ter; replaces glycine 214 with a stop codon.
Molecular consequence: nonsense.
Genome position (GRCh38, 1-based): chr4:107,945,119, G>T. VCF-style: chr4-107945119-G-T. GRCh37 (hg19) VCF-style: chr4-108866275-G-T.
Other names: short protein forms G214*.
Identifiers: ClinVar variation 1709880 (VCV001709880.2), dbSNP rs539068584, ClinGen allele CA102867072.
Genomic context (GRCh38, chr4:107,945,119, plus strand): 5'-AGCTTGGAGCCCAAGATTATTGAGGAGTTCAAATATGTGAAAGCAGAAATGCAAAAGCAC[G>T]GAGAAGACCCCTTCTGCCCTTTCTCCATCATCAGCAATGCCGTCTCTAACATCATTTGCT-3'